The following is an entry in ClinVar:

ClinVar aggregate classification (germline): Uncertain significance (1 of 4 stars; one submission).

Conditions:
Short-rib thoracic dysplasia 11 with or without polydactyly (SRTD11). Also called: SHORT-RIB THORACIC DYSPLASIA 11 WITHOUT POLYDACTYLY. Identifiers: Orphanet 474, Orphanet 93271, MedGen C3810200, MONDO:0014287, OMIM 615633.

Allele frequency attached by ClinVar (database versions not stated): gnomAD exomes below 0.00001; TOPMed below 0.00001; ExAC 0.00001; gnomAD 0.00001; 1000 Genomes Project 30x 0.00016; 1000 Genomes Project 0.00020.
gnomAD v4.1: 3 of 1,608,084 alleles (0.00019%); highest among the groups gnomAD compares: Admixed American, 0.0052%; no homozygotes.

Submission:

Labcorp Genetics (formerly Invitae), Labcorp
Classification: Uncertain significance for Short-rib thoracic dysplasia 11 with or without polydactyly. Last evaluated: 2022-02-11. Review status: criteria provided, single submitter. Criteria: Invitae Variant Classification Sherloc (09022015). Collection method: clinical testing. Allele origin: germline.
Comment: In summary, the available evidence is currently insufficient to determine the role of this variant in disease. Therefore, it has been classified as a Variant of Uncertain Significance. Algorithms developed to predict the effect of missense changes on protein structure and function (SIFT, PolyPhen-2, Align-GVGD) all suggest that this variant is likely to be disruptive. This missense change has been observed in individual(s) with clinical features of asphyxiating thoracic dystrophy (Invitae). In at least one individual the data is consistent with being in trans (on the opposite chromosome) from a pathogenic variant. This variant is present in population databases (rs527775939, gnomAD 0.009%). This sequence change replaces leucine, which is neutral and non-polar, with arginine, which is basic and polar, at codon 419 of the WDR34 protein (p.Leu419Arg).

NM_052844.4(DYNC2I2):c.1256T>G (p.Leu419Arg)

Gene: DYNC2I2 (dynein 2 intermediate chain 2; minus strand). Cytogenetic location: 9q34.11.
Variant type: single nucleotide variant.
Coding change: c.1256T>G on transcript NM_052844.4 (MANE Select); coding-DNA position 1256, T replaced by G.
Protein change: p.Leu419Arg; replaces leucine 419 with arginine.
Molecular consequence: missense variant.
Genome position (GRCh38, 1-based): chr9:128,634,342, A>C on the plus strand (T>G on the coding strand, the complement: DYNC2I2 is on the minus strand). VCF-style: chr9-128634342-A-C. GRCh37 (hg19) VCF-style: chr9-131396621-A-C.
Other names: short protein forms L419R.
Identifiers: ClinVar variation 2069968 (VCV002069968.4), dbSNP rs527775939, ClinGen allele CA5266280.